The following is an entry in ClinVar:

NM_001482.3(GATM):c.368C>T (p.Ala123Val)

Gene: GATM (glycine amidinotransferase; minus strand). Cytogenetic location: 15q21.1.
Variant type: single nucleotide variant.
Coding change: c.368C>T on transcript NM_001482.3 (MANE Select); coding-DNA position 368, C replaced by T.
Protein change: p.Ala123Val; replaces alanine 123 with valine.
Molecular consequence: missense variant. On other transcripts: 5 prime UTR variant (1).
Genome position (GRCh38, 1-based): chr15:45,369,442, G>A on the plus strand (C>T on the coding strand, the complement: GATM is on the minus strand). VCF-style: chr15-45369442-G-A. GRCh37 (hg19) VCF-style: chr15-45661640-G-A.
Other names: c.-20C>T (NM_001321015.2); short protein forms A123V.
Identifiers: ClinVar variation 1718618 (VCV001718618.5), dbSNP rs2541994349, ClinGen allele CA392261905.
Genomic context (GRCh38, chr15:45,369,442, plus strand): 5'-CTCCTTACTGTCACTCCTTCCGTTTTTAAAATATTGCACATTTCTTCAATTTCAGCAACA[G>A]CCTTTTTCAAATGATCTTTGGGAAAATAATGCCCTCCTTGCTTCTGGTAAAATGGCCAGT-3'
Protein context (NP_001473.1, residues 113-133): HYFPKDHLKK[Ala123Val]VAEIEEMCNI

ClinVar aggregate classification (germline): Uncertain significance (1 of 4 stars; one submission).

Conditions:
Arginine:glycine amidinotransferase deficiency (CCDS3). Also called: AGAT deficiency; L-Arginine:Glycine Amidinotransferase Deficiency; Creatine deficiency syndrome due to AGAT deficiency; GATM deficiency; Cerebral creatine deficiency syndrome 3; L-Arginine:Glycine Amidinotransferase (AGAT) Deficiency. Identifiers: Orphanet 35704, MedGen C2675179, MONDO:0012996, OMIM 612718.

Submission:

Labcorp Genetics (formerly Invitae), Labcorp
Classification: Uncertain significance for Arginine:glycine amidinotransferase deficiency. Last evaluated: 2022-09-01. Review status: criteria provided, single submitter. Criteria: Invitae Variant Classification Sherloc (09022015). Collection method: clinical testing. Allele origin: germline.
Comment: This sequence change replaces alanine, which is neutral and non-polar, with valine, which is neutral and non-polar, at codon 123 of the GATM protein (p.Ala123Val). This variant is not present in population databases (gnomAD no frequency). This variant has not been reported in the literature in individuals affected with GATM-related conditions. Algorithms developed to predict the effect of missense changes on protein structure and function (SIFT, PolyPhen-2, Align-GVGD) all suggest that this variant is likely to be disruptive. In summary, the available evidence is currently insufficient to determine the role of this variant in disease. Therefore, it has been classified as a Variant of Uncertain Significance.